The following is an entry in ClinVar:

NM_005215.4(DCC):c.1572G>A (p.Glu524=)

Gene: DCC (DCC netrin 1 receptor; plus strand). Cytogenetic location: 18q21.2.
Variant type: single nucleotide variant.
Coding change: c.1572G>A on transcript NM_005215.4 (MANE Select); coding-DNA position 1572, G replaced by A.
Protein change: p.Glu524=; no amino-acid change (glutamic acid 524 retained).
Molecular consequence: synonymous variant.
Genome position (GRCh38, 1-based): chr18:53,179,115, G>A. VCF-style: chr18-53179115-G-A. GRCh37 (hg19) VCF-style: chr18-50705485-G-A.
Identifiers: ClinVar variation 2648726 (VCV002648726.24), dbSNP rs148634700, ClinGen allele CA8966898.

ClinVar aggregate classification (germline): Likely benign (1 of 4 stars; one submission).

Allele frequency attached by ClinVar (database versions not stated): TOPMed 0.00001; gnomAD exomes 0.00002; ExAC 0.00009; 1000 Genomes Project 0.00040; 1000 Genomes Project 30x 0.00047.
gnomAD v4.1: 54 of 1,613,658 alleles (0.0033%); highest among the groups gnomAD compares: East Asian, 0.049%; 1 homozygote.

Submission:

CeGaT Center for Human Genetics Tuebingen
Classification: Likely benign. Last evaluated: 2022-09-01. Review status: criteria provided, single submitter. Criteria: CeGaT Center For Human Genetics Tuebingen Variant Classification Criteria Version 2. Collection method: clinical testing. Allele origin: germline. Affected: yes. Observed: 1 variant allele.
Comment: DCC: BP4, BP7